The following is an entry in ClinVar:

NM_001211.6(BUB1B):c.182C>T (p.Ala61Val)

Gene: BUB1B (BUB1 mitotic checkpoint serine/threonine kinase B; plus strand). Cytogenetic location: 15q15.1.
Variant type: single nucleotide variant.
Coding change: c.182C>T on transcript NM_001211.6 (MANE Select); coding-DNA position 182, C replaced by T.
Protein change: p.Ala61Val; replaces alanine 61 with valine.
Molecular consequence: missense variant.
Genome position (GRCh38, 1-based): chr15:40,170,064, C>T. VCF-style: chr15-40170064-C-T. GRCh37 (hg19) VCF-style: chr15-40462265-C-T.
Other names: short protein forms A61V.
Identifiers: ClinVar variation 3221364 (VCV003221364.1), dbSNP rs2542515605, ClinGen allele CA391678357.

ClinVar aggregate classification (germline): Uncertain significance (1 of 4 stars; one submission).

Conditions:
Inborn genetic diseases. Identifiers: MedGen C0950123, MeSH D030342.

Allele frequency attached by ClinVar (database versions not stated): gnomAD exomes below 0.00001.
gnomAD v4.1: 2 of 1,613,290 alleles (0.00012%); highest among the groups gnomAD compares: South Asian, 0.0011%; no homozygotes.

Submission:

Ambry Genetics
Classification: Uncertain significance for Inborn genetic diseases. Last evaluated: 2023-11-02. Review status: criteria provided, single submitter. Criteria: Ambry Variant Classification Scheme 2023. Collection method: clinical testing. Allele origin: germline.
Comment: The p.A61V variant (also known as c.182C>T), located in coding exon 3 of the BUB1B gene, results from a C to T substitution at nucleotide position 182. The alanine at codon 61 is replaced by valine, an amino acid with similar properties. This amino acid position is conserved. In addition, this alteration is predicted to be tolerated by in silico analysis. Since supporting evidence is limited at this time, the clinical significance of this alteration remains unclear.